The following is an entry in ClinVar:

NM_173630.4(RTTN):c.1423A>T (p.Ser475Cys)

Gene: RTTN (rotatin; minus strand). Cytogenetic location: 18q22.2.
Variant type: single nucleotide variant.
Coding change: c.1423A>T on transcript NM_173630.4 (MANE Select); coding-DNA position 1423, A replaced by T.
Protein change: p.Ser475Cys; replaces serine 475 with cysteine.
Molecular consequence: missense variant. On other transcripts: 5 prime UTR variant (1).
Genome position (GRCh38, 1-based): chr18:70,176,728, T>A on the plus strand (A>T on the coding strand, the complement: RTTN is on the minus strand). VCF-style: chr18-70176728-T-A. GRCh37 (hg19) VCF-style: chr18-67843964-T-A.
Other names: c.-1131A>T (NM_001318520.2); short protein forms S475C.
Identifiers: ClinVar variation 2413251 (VCV002413251.6), dbSNP rs368044623, ClinGen allele CA8996181.

ClinVar aggregate classification (germline): Uncertain significance (1 of 4 stars; one submission).

gnomAD v4.1: 6 of 1,613,958 alleles (0.00037%); highest among the groups gnomAD compares: South Asian, 0.0011%; no homozygotes.

Submission:

Labcorp Genetics (formerly Invitae), Labcorp
Classification: Uncertain significance. Last evaluated: 2022-07-10. Review status: criteria provided, single submitter. Criteria: Invitae Variant Classification Sherloc (09022015). Collection method: clinical testing. Allele origin: germline.
Comment: This sequence change replaces serine, which is neutral and polar, with cysteine, which is neutral and slightly polar, at codon 475 of the RTTN protein (p.Ser475Cys). This variant is present in population databases (rs368044623, gnomAD 0.002%). This variant has not been reported in the literature in individuals affected with RTTN-related conditions. Algorithms developed to predict the effect of missense changes on protein structure and function are either unavailable or do not agree on the potential impact of this missense change (SIFT: "Deleterious"; PolyPhen-2: "Probably Damaging"; Align-GVGD: "Class C0"). In summary, the available evidence is currently insufficient to determine the role of this variant in disease. Therefore, it has been classified as a Variant of Uncertain Significance.